The following is an entry in ClinVar:

ClinVar aggregate classification (germline): Uncertain significance (1 of 4 stars; one submission).

Conditions:
Cardiovascular phenotype. Identifiers: MedGen CN230736.

Allele frequency attached by ClinVar (database versions not stated): TOPMed below 0.00001; gnomAD 0.00001.
gnomAD v4.1: 1 of 1,613,954 alleles (0.000062%); highest among the groups gnomAD compares: African/African-American, 0.0013%; no homozygotes.

Submission:

Ambry Genetics
Classification: Uncertain significance for Cardiovascular phenotype. Last evaluated: 2024-02-26. Review status: criteria provided, single submitter. Criteria: Ambry Variant Classification Scheme 2023. Collection method: clinical testing. Allele origin: germline.
Comment: The p.G3006S variant (also known as c.9016G>A), located in coding exon 26 of the APOB gene, results from a G to A substitution at nucleotide position 9016. The glycine at codon 3006 is replaced by serine, an amino acid with similar properties. This amino acid position is conserved. In addition, this alteration is predicted to be tolerated by in silico analysis. Based on the available evidence, the clinical significance of this alteration remains unclear.

NM_000384.3(APOB):c.9016G>A (p.Gly3006Ser)

Gene: APOB (apolipoprotein B; minus strand). Cytogenetic location: 2p24.1.
Variant type: single nucleotide variant.
Coding change: c.9016G>A on transcript NM_000384.3 (MANE Select); coding-DNA position 9016, G replaced by A.
Protein change: p.Gly3006Ser; replaces glycine 3006 with serine.
Molecular consequence: missense variant.
Genome position (GRCh38, 1-based): chr2:21,007,852, C>T on the plus strand (G>A on the coding strand, the complement: APOB is on the minus strand). VCF-style: chr2-21007852-C-T. GRCh37 (hg19) VCF-style: chr2-21230724-C-T.
Other names: short protein forms G3006S.
Identifiers: ClinVar variation 3231468 (VCV003231468.1), dbSNP rs1456410181, ClinGen allele CA345992621.
Genomic context (GRCh38, chr2:21,007,852, plus strand): 5'-TTAAATGAGCATCATGCCTCCCAGTAAACTCTGCCTTCCCTTCTCCAAACAGTGCCATGC[C>T]TTTAGCAGTTAGAACACTGTGGCCCACATGCTGGGAATCGACTTGTGATTGAATTTCAAG-3'
Protein context (NP_000375.3, residues 2996-3016): HVGHSVLTAK[Gly3006Ser]MALFGEGKAE